The following is an entry in ClinVar:

ClinVar aggregate classification (germline): Uncertain significance. Review status: criteria provided, multiple submitters, no conflicts (2 of 4 stars). 3 submissions from 3 submitters: Uncertain significance (3). Last evaluated 2026-04-10.

Conditions:
Inborn genetic diseases. Identifiers: MedGen C0950123, MeSH D030342.

Allele frequency attached by ClinVar (database versions not stated): gnomAD 0.00003; gnomAD exomes 0.00018 and 0.00008; TOPMed 0.00009; ExAC 0.00012.
gnomAD v4.1: 49 of 1,613,984 alleles (0.003%); highest among the groups gnomAD compares: Admixed American, 0.082%; no homozygotes.

Submissions (3):

GeneDx
Classification: Uncertain significance. Last evaluated: 2026-04-10. Review status: criteria provided, single submitter. Criteria: GeneDx Variant Classification Process June 2021. Collection method: clinical testing. Allele origin: germline.
Comment: In silico analysis suggests that this missense variant does not alter protein structure/function; Has not been previously published as pathogenic or benign to our knowledge

Labcorp Genetics (formerly Invitae), Labcorp
Classification: Uncertain significance. Last evaluated: 2022-04-04. Review status: criteria provided, single submitter. Criteria: Invitae Variant Classification Sherloc (09022015). Collection method: clinical testing. Allele origin: germline.
Comment: This sequence change replaces glutamic acid, which is acidic and polar, with aspartic acid, which is acidic and polar, at codon 360 of the AAAS protein (p.Glu360Asp). This variant is present in population databases (rs762854215, gnomAD 0.1%). This variant has not been reported in the literature in individuals affected with AAAS-related conditions. Algorithms developed to predict the effect of missense changes on protein structure and function (SIFT, PolyPhen-2, Align-GVGD) all suggest that this variant is likely to be tolerated. In summary, the available evidence is currently insufficient to determine the role of this variant in disease. Therefore, it has been classified as a Variant of Uncertain Significance.

Ambry Genetics
Classification: Uncertain significance for Inborn genetic diseases. Last evaluated: 2022-01-04. Review status: criteria provided, single submitter. Criteria: Ambry Variant Classification Scheme 2023. Collection method: clinical testing. Allele origin: germline.

NM_015665.6(AAAS):c.1080A>C (p.Glu360Asp)

Gene: AAAS (aladin WD repeat nucleoporin; minus strand). Cytogenetic location: 12q13.13.
Variant type: single nucleotide variant.
Coding change: c.1080A>C on transcript NM_015665.6 (MANE Select); coding-DNA position 1080, A replaced by C.
Protein change: p.Glu360Asp; replaces glutamic acid 360 with aspartic acid.
Molecular consequence: missense variant.
Genome position (GRCh38, 1-based): chr12:53,308,732, T>G on the plus strand (A>C on the coding strand, the complement: AAAS is on the minus strand). VCF-style: chr12-53308732-T-G. GRCh37 (hg19) VCF-style: chr12-53702516-T-G.
Other names: c.981A>C, p.Glu327Asp (NM_001173466.2); c.1080A>C (NM_015665.5); short protein forms E360D, E327D.
Identifiers: ClinVar variation 1411554 (VCV001411554.5), dbSNP rs762854215, ClinGen allele CA6598997.